The following is an entry in ClinVar:

ClinVar aggregate classification (germline): Uncertain significance (1 of 4 stars; one submission).

Allele frequency attached by ClinVar (database versions not stated): ExAC 0.00001; gnomAD exomes 0.00001; TOPMed 0.00002.
gnomAD v4.1: 14 of 1,613,760 alleles (0.00087%); highest among the groups gnomAD compares: Non-Finnish European, 0.0012%; no homozygotes.

Submission:

Ambry Genetics
Classification: Uncertain significance. Last evaluated: 2022-03-16. Review status: criteria provided, single submitter. Criteria: Ambry Variant Classification Scheme 2023. Collection method: clinical testing. Allele origin: germline.
Comment: The p.A239V variant (also known as c.716C>T), located in coding exon 8 of the NPAT gene, results from a C to T substitution at nucleotide position 716. The alanine at codon 239 is replaced by valine, an amino acid with similar properties. This amino acid position is conserved. In addition, this alteration is predicted to be tolerated by in silico analysis. Since supporting evidence is limited at this time, the clinical significance of this alteration remains unclear.

NM_002519.3(NPAT):c.716C>T (p.Ala239Val)

Gene: NPAT (nuclear protein, coactivator of histone transcription; minus strand). Cytogenetic location: 11q22.3.
Variant type: single nucleotide variant.
Coding change: c.716C>T on transcript NM_002519.3 (MANE Select); coding-DNA position 716, C replaced by T.
Protein change: p.Ala239Val; replaces alanine 239 with valine.
Molecular consequence: missense variant.
Genome position (GRCh38, 1-based): chr11:108,186,492, G>A on the plus strand (C>T on the coding strand, the complement: NPAT is on the minus strand). VCF-style: chr11-108186492-G-A. GRCh37 (hg19) VCF-style: chr11-108057219-G-A.
Other names: c.716C>T, p.Ala239Val (NM_001321307.1); short protein forms A239V.
Identifiers: ClinVar variation 1757469 (VCV001757469.2), dbSNP rs759823392, ClinGen allele CA6264213.